The following is an entry in ClinVar:

ClinVar aggregate classification (germline): Uncertain significance. Review status: criteria provided, multiple submitters, no conflicts (2 of 4 stars). 3 submissions from 3 submitters: Uncertain significance (3). Last evaluated 2025-07-09.

Allele frequency attached by ClinVar (database versions not stated): gnomAD exomes below 0.00001.
gnomAD v4.1: 1 of 1,206,606 alleles (0.000083%); highest among the groups gnomAD compares: Non-Finnish European, 0.00011%; no homozygotes.

Submissions (3):

GeneDx
Classification: Uncertain significance. Last evaluated: 2025-07-09. Review status: criteria provided, single submitter. Criteria: GeneDx Variant Classification Process June 2021. Collection method: clinical testing. Allele origin: germline. Affected: yes.
Comment: Not observed at significant frequency in large population cohorts (gnomAD); In silico analysis suggests that this missense variant does not alter protein structure/function; Has not been previously published as pathogenic or benign to our knowledge

Blueprint Genetics
Classification: Uncertain significance. Last evaluated: 2023-05-05. Review status: criteria provided, single submitter. Criteria: ACMG Guidelines, 2015. Collection method: clinical testing. Allele origin: germline.

Revvity Omics, Revvity
Classification: Uncertain significance. Last evaluated: 2021-04-22. Review status: criteria provided, single submitter. Criteria: ACMG Guidelines, 2015. Collection method: clinical testing. Allele origin: germline.

NM_005120.3(MED12):c.6238C>T (p.Arg2080Trp)

Gene: MED12 (mediator complex subunit 12; plus strand). Cytogenetic location: Xq13.1.
Variant type: single nucleotide variant.
Coding change: c.6238C>T on transcript NM_005120.3 (MANE Select); coding-DNA position 6238, C replaced by T.
Protein change: p.Arg2080Trp; replaces arginine 2080 with tryptophan.
Molecular consequence: missense variant.
Genome position (GRCh38, 1-based): chrX:71,140,828, C>T. VCF-style: chrX-71140828-C-T. GRCh37 (hg19) VCF-style: chrX-70360678-C-T.
Other names: c.6238C>T (NM_005120.2); short protein forms R2080W.
Identifiers: ClinVar variation 2433692 (VCV002433692.5), dbSNP rs2092345436, ClinGen allele CA413540845.